The following is an entry in ClinVar:

NM_001429.4(EP300):c.5656T>A (p.Tyr1886Asn)

Gene: EP300 (E1A binding protein p300; plus strand). Cytogenetic location: 22q13.2.
Variant type: single nucleotide variant.
Coding change: c.5656T>A on transcript NM_001429.4 (MANE Select); coding-DNA position 5656, T replaced by A.
Protein change: p.Tyr1886Asn; replaces tyrosine 1886 with asparagine.
Molecular consequence: missense variant.
Genome position (GRCh38, 1-based): chr22:41,177,367, T>A. VCF-style: chr22-41177367-T-A. GRCh37 (hg19) VCF-style: chr22-41573371-T-A.
Other names: c.5578T>A, p.Tyr1860Asn (NM_001362843.2); short protein forms Y1860N, Y1886N.
Identifiers: ClinVar variation 3347431 (VCV003347431.1).

ClinVar aggregate classification (germline): Uncertain significance (0 of 4 stars; one submission).

Conditions:
EP300-related disorder. Also called: EP300-related disorders; EP300-related condition.

Submission:

PreventionGenetics, part of Exact Sciences
Classification: Uncertain significance for EP300-related condition. Last evaluated: 2024-05-31. Review status: no assertion criteria provided. Collection method: clinical testing. Allele origin: germline.
Comment: The EP300 c.5656T>A variant is predicted to result in the amino acid substitution p.Tyr1886Asn. To our knowledge, this variant has not been reported in the literature or in a large population database, indicating this variant is rare. At this time, the clinical significance of this variant is uncertain due to the absence of conclusive functional and genetic evidence.